The following is an entry in ClinVar:

ClinVar aggregate classification (germline): Uncertain significance (1 of 4 stars; one submission).

gnomAD v4.1: 1 of 1,604,316 alleles (0.000062%); highest among the groups gnomAD compares: Non-Finnish European, 0.000085%; no homozygotes.

Submission:

GeneDx
Classification: Uncertain significance. Last evaluated: 2025-01-28. Review status: criteria provided, single submitter. Criteria: GeneDx Variant Classification Process June 2021. Collection method: clinical testing. Allele origin: germline. Affected: yes.
Comment: Not observed at significant frequency in large population cohorts (gnomAD); In silico analysis supports that this missense variant has a deleterious effect on protein structure/function; Has not been previously published as pathogenic or benign to our knowledge

NM_001393769.1(MED12L):c.1640C>T (p.Ser547Leu)

Gene: MED12L (mediator complex subunit 12L; plus strand). Cytogenetic location: 3q25.1.
Variant type: single nucleotide variant.
Coding change: c.1640C>T on transcript NM_001393769.1 (MANE Select); coding-DNA position 1640, C replaced by T.
Protein change: p.Ser547Leu; replaces serine 547 with leucine.
Molecular consequence: missense variant.
Genome position (GRCh38, 1-based): chr3:151,188,367, C>T. VCF-style: chr3-151188367-C-T. GRCh37 (hg19) VCF-style: chr3-150906154-C-T.
Other names: c.1640C>T, p.Ser547Leu (NM_053002.6); short protein forms S547L.
Identifiers: ClinVar variation 4071917 (VCV004071917.1).